The following is an entry in ClinVar:

NM_015193.5(ARC):c.873G>A (p.Pro291=)

Gene: ARC (activity regulated cytoskeleton associated protein; minus strand). Cytogenetic location: 8q24.3.
Variant type: single nucleotide variant.
Coding change: c.873G>A on transcript NM_015193.5 (MANE Select); coding-DNA position 873, G replaced by A.
Protein change: p.Pro291=; no amino-acid change (proline 291 retained).
Molecular consequence: synonymous variant.
Genome position (GRCh38, 1-based): chr8:142,613,399, C>T on the plus strand (G>A on the coding strand, the complement: ARC is on the minus strand). VCF-style: chr8-142613399-C-T. GRCh37 (hg19) VCF-style: chr8-143694760-C-T.
Other names: c.873G>A, p.Pro291= (NM_001412852.1).
Identifiers: ClinVar variation 2658880 (VCV002658880.24), dbSNP rs148642757, ClinGen allele CA4902905.

ClinVar aggregate classification (germline): Likely benign (1 of 4 stars; one submission).

Allele frequency attached by ClinVar (database versions not stated): 1000 Genomes Project 0.00020; 1000 Genomes Project 30x 0.00031; TOPMed 0.00096; ESP Exome Variant Server 0.00115; gnomAD 0.00115; gnomAD exomes 0.00141; ExAC 0.00144.
gnomAD v4.1: 2,210 of 1,611,956 alleles (0.14%); highest among the groups gnomAD compares: Non-Finnish European, 0.17%; 4 homozygotes.

Submission:

CeGaT Center for Human Genetics Tuebingen
Classification: Likely benign. Last evaluated: 2022-07-01. Review status: criteria provided, single submitter. Criteria: CeGaT Center For Human Genetics Tuebingen Variant Classification Criteria Version 2. Collection method: clinical testing. Allele origin: germline. Affected: yes. Observed: 1 variant allele.
Comment: ARC: BP4, BP7